The following is an entry in ClinVar:

NM_001364905.1(LRBA):c.1319del (p.Pro440fs)

Gene: LRBA (LPS responsive beige-like anchor protein; minus strand). Cytogenetic location: 4q31.3.
Variant type: Deletion.
Coding change: c.1319del on transcript NM_001364905.1 (MANE Select); coding-DNA position 1319, one base deleted (C; older notation c.1319delC).
Protein change: p.Pro440fs; shifts the reading frame from proline 440.
Molecular consequence: frameshift variant.
Genome position (GRCh38, 1-based): chr4:150,908,700, G deleted on the plus strand (C on the coding strand, the reverse complement: LRBA is on the minus strand); the first of 3 consecutive G bases (chr4:150,908,700-150,908,702); deleting any one gives the same sequence. VCF-style (leftmost placement, unchanged base first): chr4-150908699-AG-A. GRCh37 (hg19) VCF-style: chr4-151829851-AG-A.
Other names: c.1317delC, p.Pro440Leufs (NM_001199282.3, NM_006726.5); c.1319del, p.Pro440fs (NM_001367550.1); short protein forms P440fs.
Identifiers: ClinVar variation 1705624 (VCV001705624.1), dbSNP rs2546646309, ClinGen allele CA2580071612.

ClinVar aggregate classification (germline): Likely pathogenic (1 of 4 stars; one submission).

Conditions:
Combined immunodeficiency due to LRBA deficiency. Also called: Common variable immunodeficiency 8, with autoimmunity. Identifiers: Orphanet 445018, MedGen C3553512, MONDO:0013863, OMIM 614700.

Submission:

3billion
Classification: Likely pathogenic for Combined immunodeficiency due to LRBA deficiency. Last evaluated: 2022-09-01. Review status: criteria provided, single submitter. Criteria: ACMG Guidelines, 2015. Collection method: clinical testing. Allele origin: germline. Affected: yes. Observed: 1 homozygote.
Comment: The variant is not observed in the gnomAD v2.1.1 dataset. Frameshift variant is predicted to result in a loss or disruption of normal protein function through nonsense-mediated decay (NMD) or protein truncation. Multiple pathogenic variants are reported downstream of the variant. Therefore, this variant is classified as Likely pathogenic according to the recommendation of ACMG/AMP guideline.